The following is an entry in ClinVar:

NC_000016.9:g.(8906964_8941580)_(8943195_?)del

Gene: PMM2 (phosphomannomutase 2; plus strand). Cytogenetic location: 16p13.2.
Variant type: Deletion.
Identifiers: ClinVar variation 1343465 (VCV001343465.1).

ClinVar aggregate classification (germline): Likely pathogenic (1 of 4 stars; one submission).

Conditions:
PMM2-congenital disorder of glycosylation. Also called: Congenital disorder of glycosylation, type Ia; PMM2-CDG; PHOSPHOMANNOMUTASE 2 DEFICIENCY; CARBOHYDRATE-DEFICIENT GLYCOPROTEIN SYNDROME, TYPE Ia; CDG Ia; JAEKEN SYNDROME. Identifiers: Orphanet 79318, MedGen C0349653, MONDO:0008907, OMIM 212065.

Submission:

Women's Health and Genetics/Laboratory Corporation of America, LabCorp
Classification: Likely pathogenic for PMM2-congenital disorder of glycosylation. Last evaluated: 2022-02-11. Review status: criteria provided, single submitter. Criteria: LabCorp Variant Classification Summary - May 2015. Collection method: clinical testing. Allele origin: germline.
Comment: Variant summary: The variant identified by MLPA or other technology involves the deletion of the last exon (exon 8) in the PMM2 gene. A presumed nomenclature of c.(639+1_640-1)_(*1513_?)del has been designated for the purposes of this classification. The variant was absent in 21122 control chromosomes (gnomAD, Structural Variants dataset). Deletion of exon 8 has been reported in the literature in at least one compound heterozygous individual affected with Congenital Disorder Of Glycosylation Type 1a (Schollen_2007). A ClinVar submitter (evaluation after 2014) cites the variant as likely pathogenic. Based on the evidence outlined above, the variant was classified as likely pathogenic.

Literature cited by the submitters: PubMed 17307006.